The following is an entry in ClinVar:

NM_001165963.4(SCN1A):c.4570C>A (p.Pro1524Thr)

Genes: SCN1A (sodium voltage-gated channel alpha subunit 1; minus strand), LOC102724058 (uncharacterized LOC102724058; plus strand). Cytogenetic location: 2q24.3.
Variant type: single nucleotide variant.
Coding change: c.4570C>A on transcript NM_001165963.4 (MANE Select); coding-DNA position 4570, C replaced by A.
Protein change: p.Pro1524Thr; replaces proline 1524 with threonine.
Molecular consequence: missense variant. On other transcripts: non-coding transcript variant (1).
Genome position (GRCh38, 1-based): chr2:165,996,024, G>T on the plus strand (C>A on the coding strand, the complement: SCN1A is on the minus strand). VCF-style: chr2-165996024-G-T. GRCh37 (hg19) VCF-style: chr2-166852534-G-T.
Other names: p.P1524T:CCT>ACT; c.4486C>A, p.Pro1496Thr (NM_001165964.3, NM_001353957.2, NM_001353958.2); c.4570C>A, p.Pro1524Thr (NM_001202435.3, NM_001353948.2); c.4537C>A, p.Pro1513Thr (NM_001353949.2, NM_001353950.2, NM_001353951.2 and 2 more transcripts); c.4534C>A, p.Pro1512Thr (NM_001353954.2, NM_001353955.2); c.4483C>A, p.Pro1495Thr (NM_001353960.2); c.2128C>A, p.Pro710Thr (NM_001353961.2); c.4570C>A (NM_001165963.3); short protein forms P1513T, P1524T, P710T, P1512T, P1495T, P1496T.
Identifiers: ClinVar variation 206840 (VCV000206840.14), dbSNP rs143088184, ClinGen allele CA317505.
Genomic context (GRCh38, chr2:165,996,024, plus strand): 5'-CAAGTTTTTGTTTTTGTATTTTTCCCCCATATCATTTGATACTTCTTACTCCTGGTCGAG[G>T]TATAGGCTTTTGCGGTTTTTTCGATCCTAATTTTTTCATTGCATTATAGTATTTCTTCTG-3'
Protein context (NP_001159435.1, residues 1514-1534): LGSKKPQKPI[Pro1524Thr]RPGNKFQGMV

ClinVar aggregate classification (germline): Conflicting classifications of pathogenicity. Review status: criteria provided, conflicting classifications (1 of 4 stars). 4 submissions from 4 submitters: Likely pathogenic (1); Uncertain significance (1); Likely benign (2). Last evaluated 2024-12-02.

Conditions:
Early-infantile DEE. Also called: Ohtahara syndrome; Early infantile epileptic encephalopathy; Early infantile epileptic encephalopathy with suppression bursts. Identifiers: Orphanet 1934, MedGen C0393706, MONDO:0800491.
Inborn genetic diseases. Identifiers: MedGen C0950123, MeSH D030342.

Allele frequency attached by ClinVar (database versions not stated): ExAC 0.00001; gnomAD exomes 0.00002; TOPMed 0.00004; gnomAD 0.00005 and 0.00006; ESP Exome Variant Server 0.00008.
gnomAD v4.1: 17 of 1,600,616 alleles (0.0011%); highest among the groups gnomAD compares: African/African-American, 0.012%; no homozygotes.

Submissions (4):

Labcorp Genetics (formerly Invitae), Labcorp
Classification: Likely pathogenic for Early-infantile DEE. Last evaluated: 2024-12-02. Review status: criteria provided, single submitter. Criteria: Invitae Variant Classification Sherloc (09022015). Collection method: clinical testing. Allele origin: germline.
Comment: This sequence change replaces proline, which is neutral and non-polar, with threonine, which is neutral and polar, at codon 1524 of the SCN1A protein (p.Pro1524Thr). This variant is present in population databases (rs143088184, gnomAD 0.03%). This missense change has been observed in individuals with clinical features of autosomal dominant SCN1A-related conditions (internal data). ClinVar contains an entry for this variant (Variation ID: 206840). Invitae Evidence Modeling of protein sequence and biophysical properties (such as structural, functional, and spatial information, amino acid conservation, physicochemical variation, residue mobility, and thermodynamic stability) indicates that this missense variant is expected to disrupt SCN1A protein function with a positive predictive value of 95%. In summary, the currently available evidence indicates that the variant is pathogenic, but additional data are needed to prove that conclusively. Therefore, this variant has been classified as Likely Pathogenic.

Ambry Genetics
Classification: Likely benign for Inborn genetic diseases. Last evaluated: 2022-09-22. Review status: criteria provided, single submitter. Criteria: Ambry Variant Classification Scheme 2023. Collection method: clinical testing. Allele origin: germline.

Revvity Omics, Revvity
Classification: Uncertain significance. Last evaluated: 2019-11-11. Review status: criteria provided, single submitter. Criteria: ACMG Guidelines, 2015. Collection method: clinical testing. Allele origin: germline.

GeneDx
Classification: Likely benign. Last evaluated: 2019-05-15. Review status: criteria provided, single submitter. Criteria: GeneDx Variant Classification Process June 2021. Collection method: clinical testing. Allele origin: germline. Affected: yes.
Comment: The majority of missense variants in this gene are considered pathogenic (Stenson et al., 2014); In silico analysis, which includes protein predictors and evolutionary conservation, supports a deleterious effect; Has not been previously published as pathogenic or benign to our knowledge